The following is an entry in ClinVar:

NM_003906.5(MCM3AP):c.3430C>T (p.Arg1144Ter)

Gene: MCM3AP (minichromosome maintenance complex component 3 associated protein; minus strand). Cytogenetic location: 21q22.3.
Variant type: single nucleotide variant.
Coding change: c.3430C>T on transcript NM_003906.5 (MANE Select); coding-DNA position 3430, C replaced by T.
Protein change: p.Arg1144Ter; replaces arginine 1144 with a stop codon.
Molecular consequence: nonsense.
Genome position (GRCh38, 1-based): chr21:46,261,317, G>A on the plus strand (C>T on the coding strand, the complement: MCM3AP is on the minus strand). VCF-style: chr21-46261317-G-A. GRCh37 (hg19) VCF-style: chr21-47681231-G-A.
Other names: short protein forms R1144*.
Identifiers: ClinVar variation 3006869 (VCV003006869.3), dbSNP rs781445345, ClinGen allele CA321985032.

ClinVar aggregate classification (germline): Pathogenic (1 of 4 stars; one submission).

Submission:

Labcorp Genetics (formerly Invitae), Labcorp
Classification: Pathogenic. Last evaluated: 2023-06-10. Review status: criteria provided, single submitter. Criteria: Invitae Variant Classification Sherloc (09022015). Collection method: clinical testing. Allele origin: germline.
Comment: This variant has not been reported in the literature in individuals affected with MCM3AP-related conditions. For these reasons, this variant has been classified as Pathogenic. This variant is present in population databases (rs781445345, gnomAD 0.003%). This sequence change creates a premature translational stop signal (p.Arg1144*) in the MCM3AP gene. It is expected to result in an absent or disrupted protein product. Loss-of-function variants in MCM3AP are known to be pathogenic (PMID: 28633435).

Literature cited by the submitters: PubMed 28633435.